The following is an entry in ClinVar:

ClinVar aggregate classification (germline): Uncertain significance (1 of 4 stars; one submission).

Conditions:
Hereditary cancer-predisposing syndrome. Also called: Neoplastic Syndromes, Hereditary; Tumor predisposition; Hereditary neoplastic syndrome; Hereditary Cancer Syndrome. Identifiers: Orphanet 140162, MedGen C0027672, MeSH D009386, MONDO:0015356.

Submission:

Ambry Genetics
Classification: Uncertain significance for Hereditary cancer-predisposing syndrome. Last evaluated: 2026-08-20. Review status: criteria provided, single submitter. Criteria: Ambry Variant Classification Scheme 2023. Collection method: clinical testing. Allele origin: germline.
Comment: The p.A29T variant (also known as c.85G>A), located in coding exon 2 of the SDHB gene, results from a G to A substitution at nucleotide position 85. The alanine at codon 29 is replaced by threonine, an amino acid with similar properties. This amino acid position is well conserved in available vertebrate species. In addition, the in silico prediction for this alteration is inconclusive. Based on the available evidence, the clinical significance of this variant remains unclear.

NM_003000.3(SDHB):c.85G>A (p.Ala29Thr)

Gene: SDHB (succinate dehydrogenase complex iron sulfur subunit B; minus strand). Cytogenetic location: 1p36.13.
Variant type: single nucleotide variant.
Coding change: c.85G>A on transcript NM_003000.3 (MANE Select); coding-DNA position 85, G replaced by A.
Protein change: p.Ala29Thr; replaces alanine 29 with threonine.
Molecular consequence: missense variant.
Genome position (GRCh38, 1-based): chr1:17,044,876, C>T on the plus strand (G>A on the coding strand, the complement: SDHB is on the minus strand). VCF-style: chr1-17044876-C-T. GRCh37 (hg19) VCF-style: chr1-17371371-C-T.
Other names: c.85G>A, p.Ala29Thr (NM_001407361.1); short protein forms A29T.
Identifiers: ClinVar variation 5029289 (VCV005029289.1).
Genomic context (GRCh38, chr1:17,044,876, plus strand): 5'-GGTCCCATCGATAGATGGCAAATTTCTTGATACGGGGAGCTGTGGCTGCAGCTGTCTGGG[C>T]TCCTCGGGAGGCCTGAAATTTTTTAAAGTTCACAAAAAGGAAAAAAAAATTAGAAATACA-3'
Protein context (NP_002991.2, residues 19-39): GGACLQASRG[Ala29Thr]QTAAATAPRI